The following is an entry in ClinVar:

ClinVar aggregate classification (germline): Pathogenic (1 of 4 stars; one submission).

Conditions:
Primary hyperoxaluria, type I (HP1). Also called: OXALOSIS I; Primary hyperoxaluria type 1; GLYCOLIC ACIDURIA; HEPATIC AGT DEFICIENCY. Identifiers: Orphanet 416, Orphanet 93598, MedGen C0268164, MONDO:0009823, OMIM 259900. Disease mechanism: loss of function.

Submission:

Clinical Biochemistry Laboratory, Health Services Laboratory
Classification: Pathogenic for Primary hyperoxaluria, type I. Last evaluated: 2023-10-27. Review status: criteria provided, single submitter. Criteria: ACMG Guidelines, 2015. Collection method: curation. Allele origin: germline. Affected: yes.
Comment: ACMG:PVS1 PM1 PM2 PP3

Literature cited by the submitters: PubMed 35678848.

NM_000030.3(AGXT):c.595+2T>G

Gene: AGXT (alanine--glyoxylate aminotransferase; plus strand). Cytogenetic location: 2q37.3.
Variant type: single nucleotide variant.
Coding change: c.595+2T>G on transcript NM_000030.3 (MANE Select); the canonical splice donor site of the intron after coding-DNA position 595, T replaced by G.
Molecular consequence: splice donor variant.
Genome position (GRCh38, 1-based): chr2:240,873,051, T>G. VCF-style: chr2-240873051-T-G. GRCh37 (hg19) VCF-style: chr2-241812468-T-G.
Identifiers: ClinVar variation 2681176 (VCV002681176.1), dbSNP rs113852309, ClinGen allele CA351316634.
Genomic context (GRCh38, chr2:240,873,051, plus strand): 5'-GCTCCTGGTGGATTCGGTGGCATCCCTGGGCGGGACCCCCCTTTACATGGACCGGCAAGG[T>G]AAGGGTGGGCTCTGAGAGCCCTACCCAGCCCAAGCAGCCTTGGGGCTCCGCGTGCAGGAA-3'